The following is an entry in ClinVar:

NM_000136.3(FANCC):c.662del (p.Glu221fs)

Genes: FANCC (FA complementation group C; minus strand), AOPEP (aminopeptidase O (putative); plus strand). Cytogenetic location: 9q22.32.
Variant type: Deletion.
Coding change: c.662del on transcript NM_000136.3 (MANE Select); coding-DNA position 662, one base deleted (A; older notation c.662delA).
Protein change: p.Glu221fs; shifts the reading frame from glutamic acid 221.
Molecular consequence: frameshift variant.
Genome position (GRCh38, 1-based): chr9:95,149,947, T deleted on the plus strand (A on the coding strand, the reverse complement: FANCC is on the minus strand). VCF-style (leftmost placement, unchanged base first): chr9-95149946-CT-C. GRCh37 (hg19) VCF-style: chr9-97912228-CT-C.
Other names: c.662del, p.Glu221fs (NM_001243743.2, NM_001243744.2); short protein forms E221fs.
Identifiers: ClinVar variation 929808 (VCV000929808.1), dbSNP rs1830058898, ClinGen allele CA1139661054.

ClinVar aggregate classification (germline): Pathogenic (0 of 4 stars; one submission).

Conditions:
Fanconi anemia complementation group C (FANCC). Also called: Fanconi anemia, group C; FANCC-Related Fanconi Anemia; FANCONI PANCYTOPENIA, TYPE 3; FACC. Identifiers: Orphanet 84, MedGen C3468041, MONDO:0009213, OMIM 227645.

Submission:

Leiden Open Variation Database
Classification: Pathogenic for Fanconi anemia complementation group C. Last evaluated: 2020-02-28. Review status: no assertion criteria provided. Collection method: curation. Allele origin: germline. Affected: yes.
Comment: Curator: Arleen D. Auerbach. Submitter to LOVD: Arleen D. Auerbach.